The following is an entry in ClinVar:

ClinVar aggregate classification (germline): Uncertain significance (1 of 4 stars; one submission).

Submission:

Labcorp Genetics (formerly Invitae), Labcorp
Classification: Uncertain significance. Last evaluated: 2022-04-25. Review status: criteria provided, single submitter. Criteria: Invitae Variant Classification Sherloc (09022015). Collection method: clinical testing. Allele origin: germline.
Comment: In summary, the available evidence is currently insufficient to determine the role of this variant in disease. Therefore, it has been classified as a Variant of Uncertain Significance. Algorithms developed to predict the effect of missense changes on protein structure and function output the following: SIFT: "Tolerated"; PolyPhen-2: "Benign"; Align-GVGD: "Class C0". The aspartic acid amino acid residue is found in multiple mammalian species, which suggests that this missense change does not adversely affect protein function. This variant has not been reported in the literature in individuals affected with DMXL2-related conditions. This variant is not present in population databases (gnomAD no frequency). This sequence change replaces asparagine, which is neutral and polar, with aspartic acid, which is acidic and polar, at codon 902 of the DMXL2 protein (p.Asn902Asp).

NM_001378457.1(DMXL2):c.2704A>G (p.Asn902Asp)

Gene: DMXL2 (Dmx like 2; minus strand). Cytogenetic location: 15q21.2.
Variant type: single nucleotide variant.
Coding change: c.2704A>G on transcript NM_001378457.1 (MANE Select); coding-DNA position 2704, A replaced by G.
Protein change: p.Asn902Asp; replaces asparagine 902 with aspartic acid.
Molecular consequence: missense variant. On other transcripts: non-coding transcript variant (2).
Genome position (GRCh38, 1-based): chr15:51,507,194, T>C on the plus strand (A>G on the coding strand, the complement: DMXL2 is on the minus strand). VCF-style: chr15-51507194-T-C. GRCh37 (hg19) VCF-style: chr15-51799391-T-C.
Other names: c.2704A>G, p.Asn902Asp (NM_001174116.3, NM_001174117.3, NM_001378458.1 and 6 more transcripts); c.2464A>G, p.Asn822Asp (NM_001378464.1); short protein forms N822D, N902D.
Identifiers: ClinVar variation 2121862 (VCV002121862.4), dbSNP rs2548529280, ClinGen allele CA392439313.